The following is an entry in ClinVar:

NM_001451.3(FOXF1):c.691_698del (p.Ala231fs)

Gene: FOXF1 (forkhead box F1; plus strand). Cytogenetic location: 16q24.1.
Variant type: Microsatellite.
Coding change: c.691_698del on transcript NM_001451.3 (MANE Select); coding-DNA positions 691 to 698, 8 bases deleted (GCGGCGGC; older notation c.691_698delGCGGCGGC).
Protein change: p.Ala231fs; shifts the reading frame from alanine 231.
Molecular consequence: frameshift variant.
Genome position (GRCh38, 1-based): chr16:86,511,260-86,511,267, GCGGCGGC deleted; deleting any 8 consecutive bases within chr16:86,511,252-86,511,267 gives the same sequence; the c. name uses the placement nearest the transcript's 3' end. VCF-style (leftmost placement, unchanged base first): chr16-86511251-TGCGGCGGC-T. GRCh37 (hg19) VCF-style: chr16-86544857-TGCGGCGGC-T.
Other names: c.691_698del (NM_001451.2); c.691_698delGCGGCGGC (NM_001451.3); short protein forms A231fs.
Identifiers: ClinVar variation 692054 (VCV000692054.12), dbSNP rs1597291554, ClinGen allele CA915949372.

ClinVar aggregate classification (germline): Pathogenic. Review status: criteria provided, multiple submitters, no conflicts (2 of 4 stars). 8 submissions from 8 submitters: Pathogenic (7). 1 of the submissions does not count toward it. Last evaluated 2026-10-21.

Conditions:
Alveolar capillary dysplasia with pulmonary venous misalignment. Also called: Alveolar capillary dysplasia with misalignment of pulmonary veins; Congenital alveolar capillary dysplasia; ALVEOLAR CAPILLARY DYSPLASIA WITH MISALIGNMENT OF PULMONARY VEINS AND OTHER CONGENITAL ANOMALIES. Identifiers: Orphanet 210122, MedGen C2960310, MONDO:0009934, OMIM 265380.

Submissions (8):

Clinical Genetics Laboratory, Skane University Hospital Lund
Classification: Pathogenic for Alveolar capillary dysplasia with pulmonary venous misalignment. Last evaluated: 2026-10-21. Review status: criteria provided, single submitter. Criteria: ACMG Guidelines, 2015. Collection method: clinical testing. Allele origin: germline. Inheritance: Autosomal dominant inheritance. Affected: yes.
Comment: ACMG-criteria: PVS1, PS2 och PM2.

Institute of Medical Genetics and Applied Genomics, University Hospital Tübingen
Classification: Pathogenic for Alveolar capillary dysplasia with pulmonary venous misalignment. Last evaluated: 2024-10-23. Review status: criteria provided, single submitter. Criteria: ACMG Guidelines, 2015. Collection method: clinical testing. Allele origin: de novo. Inheritance: Autosomal dominant inheritance. Affected: yes.

GeneDx
Classification: Pathogenic. Last evaluated: 2023-08-16. Review status: criteria provided, single submitter. Criteria: GeneDx Variant Classification Process June 2021. Collection method: clinical testing. Allele origin: germline. Affected: yes.
Comment: Frameshift variant predicted to result in protein truncation or nonsense mediated decay in a gene for which loss-of-function is a known mechanism of disease; Not observed at significant frequency in large population cohorts (gnomAD); This variant is associated with the following publications: (PMID: 23505205, 31641027, 31436901, 32036090, 33578219, 31199666)

Johns Hopkins Genomics, Johns Hopkins University
Classification: Pathogenic for Alveolar capillary dysplasia with pulmonary venous misalignment. Last evaluated: 2020-07-20. Review status: criteria provided, single submitter. Criteria: ACMG Guidelines, 2015. Collection method: clinical testing. Allele origin: germline.
Comment: This frameshift variant results in a premature stop codon, likely leading to nonsense-mediated decay and lack of protein production. This variant is absent from a large population dataset. It has a ClinVar entry. We consider this variant to be pathogenic.

Revvity Omics, Revvity
Classification: Pathogenic for Alveolar capillary dysplasia with pulmonary venous misalignment. Last evaluated: 2019-09-03. Review status: criteria provided, single submitter. Criteria: ACMG Guidelines, 2015. Collection method: clinical testing. Allele origin: germline.

Clinical Genetics and Genomics, Karolinska University Hospital
Classification: Pathogenic. Last evaluated: 2018-10-08. Review status: criteria provided, single submitter. Criteria: ACMG Guidelines, 2015. Collection method: clinical testing. Allele origin: germline. Affected: yes. Observed: 1 variant allele.

Rady Children's Institute for Genomic Medicine, Rady Children's Hospital San Diego
Classification: Pathogenic for ALVEOLAR CAPILLARY DYSPLASIA WITH MISALIGNMENT OF PULMONARY VEINS. Last evaluated: 2018-10-04. Review status: criteria provided, single submitter. Criteria: ACMG Guidelines, 2015. Collection method: clinical testing. Allele origin: germline. Affected: yes. Observed: 1 variant allele.
Comment: This frameshifting variant in exon 1 of 2 introduces a premature stop codon and is therefore predicted to result in loss of normal protein function. This variant has been previously reported as a de novo change in a patient with alveolar capillary dysplasia with misalignment of pulmonary veins (ACD/MPV) (PMID: 23505205). It is absent from the ExAC and gnomAD population databases and thus is presumed to be rare. Analysis of the parental samples was negative for the variant, indicating this variant likely occurred as a de novo event. Based on the available evidence, the c.691_698delGCGGCGGC (p.Ala231ArgfsTer61) variant is classified as pathogenic.

Stankiewicz Research Laboratory, Baylor College of Medicine
Classification: Pathogenic for Alveolar capillary dysplasia with pulmonary venous misalignment. Last evaluated: 2019-10-01. Review status: no assertion criteria provided. Collection method: research. Allele origin: de novo. Affected: yes. Observed: 3 variant alleles. Not counted in ClinVar's aggregate classification.

Literature cited by the submitters: PubMed 23505205 (cited by Johns Hopkins Genomics, Johns Hopkins University).